The following is an entry in ClinVar:

NM_000237.3(LPL):c.43C>A (p.Leu15Ile)

Gene: LPL (lipoprotein lipase; plus strand). Cytogenetic location: 8p21.3.
Variant type: single nucleotide variant.
Coding change: c.43C>A on transcript NM_000237.3 (MANE Select); coding-DNA position 43, C replaced by A.
Protein change: p.Leu15Ile; replaces leucine 15 with isoleucine.
Molecular consequence: missense variant.
Genome position (GRCh38, 1-based): chr8:19,939,483, C>A. VCF-style: chr8-19939483-C-A. GRCh37 (hg19) VCF-style: chr8-19796994-C-A.
Other names: short protein forms L15I.
Identifiers: ClinVar variation 2499311 (VCV002499311.1), dbSNP rs781367198, ClinGen allele CA4655266.

ClinVar aggregate classification (germline): Uncertain significance (1 of 4 stars; one submission).

Allele frequency attached by ClinVar (database versions not stated): ExAC 0.00001; gnomAD exomes 0.00001; TOPMed 0.00001; gnomAD 0.00003.
gnomAD v4.1: 11 of 1,610,848 alleles (0.00068%); highest among the groups gnomAD compares: South Asian, 0.0011%; no homozygotes.

Submission:

GeneDx
Classification: Uncertain significance. Last evaluated: 2022-10-11. Review status: criteria provided, single submitter. Criteria: GeneDx Variant Classification Process June 2021. Collection method: clinical testing. Allele origin: germline. Affected: yes.
Comment: Not observed at significant frequency in large population cohorts (gnomAD); In silico analysis supports that this missense variant does not alter protein structure/function; Has not been previously published as pathogenic or benign to our knowledge